The following is an entry in ClinVar:

NM_177438.3(DICER1):c.382G>A (p.Glu128Lys)

Gene: DICER1 (dicer 1, ribonuclease III; minus strand). Cytogenetic location: 14q32.13.
Variant type: single nucleotide variant.
Coding change: c.382G>A on transcript NM_177438.3 (MANE Select); coding-DNA position 382, G replaced by A.
Protein change: p.Glu128Lys; replaces glutamic acid 128 with lysine.
Molecular consequence: missense variant. On other transcripts: 5 prime UTR variant (2), non-coding transcript variant (5), intron variant (6).
Genome position (GRCh38, 1-based): chr14:95,131,565, C>T on the plus strand (G>A on the coding strand, the complement: DICER1 is on the minus strand). VCF-style: chr14-95131565-C-T. GRCh37 (hg19) VCF-style: chr14-95597902-C-T.
Other names: c.382G>A, p.Glu128Lys (NM_001195573.1, NM_001271282.3, NM_001291628.2 and 15 more transcripts); c.100G>A, p.Glu34Lys (NM_001395686.1); c.-77G>A (NM_001395691.1); c.-1187G>A (NM_001395697.1); c.33+950G>A (NM_001395690.1, NM_001395687.1, NM_001395689.1 and 3 more transcripts); short protein forms E128K, E34K.
Identifiers: ClinVar variation 3229394 (VCV003229394.1), dbSNP rs1595462971, ClinGen allele CA390889052.

ClinVar aggregate classification (germline): Uncertain significance (1 of 4 stars; one submission).

Conditions:
Hereditary cancer-predisposing syndrome. Also called: Neoplastic Syndromes, Hereditary; Tumor predisposition; Hereditary neoplastic syndrome; Hereditary Cancer Syndrome. Identifiers: Orphanet 140162, MedGen C0027672, MeSH D009386, MONDO:0015356.

Submission:

Ambry Genetics
Classification: Uncertain significance for Hereditary cancer-predisposing syndrome. Last evaluated: 2024-02-11. Review status: criteria provided, single submitter. Criteria: Ambry Variant Classification Scheme 2023. Collection method: clinical testing. Allele origin: germline.
Comment: The p.E128K variant (also known as c.382G>A), located in coding exon 3 of the DICER1 gene, results from a G to A substitution at nucleotide position 382. The glutamic acid at codon 128 is replaced by lysine, an amino acid with similar properties. This amino acid position is conserved. In addition, the in silico prediction for this alteration is inconclusive. Based on the available evidence, the clinical significance of this alteration remains unclear.